The following is an entry in ClinVar:

ClinVar aggregate classification (germline): Likely benign. Review status: criteria provided, single submitter (1 of 4 stars). 2 submissions from 2 submitters: Likely benign (1). 1 of the submissions does not count toward it. Last evaluated 2024-09-16.

Conditions:
PCNT-related disorder. Also called: PCNT-related condition.

Allele frequency attached by ClinVar (database versions not stated): ExAC 0.00001; gnomAD 0.00001; TOPMed 0.00002; 1000 Genomes Project 30x 0.00016; 1000 Genomes Project 0.00020.

Submissions (2):

Labcorp Genetics (formerly Invitae), Labcorp
Classification: Likely benign. Last evaluated: 2024-09-16. Review status: criteria provided, single submitter. Criteria: Invitae Variant Classification Sherloc (09022015). Collection method: clinical testing. Allele origin: germline.

PreventionGenetics, part of Exact Sciences
Classification: Likely benign for PCNT-related condition. Last evaluated: 2021-10-23. Review status: no assertion criteria provided. Collection method: clinical testing. Allele origin: germline. Not counted in ClinVar's aggregate classification.
Comment: This variant is classified as likely benign based on ACMG/AMP sequence variant interpretation guidelines (Richards et al. 2015 PMID: 25741868, with internal and published modifications).

NM_006031.6(PCNT):c.3222G>A (p.Arg1074=)

Gene: PCNT (pericentrin; plus strand). Cytogenetic location: 21q22.3.
Variant type: single nucleotide variant.
Coding change: c.3222G>A on transcript NM_006031.6 (MANE Select); coding-DNA position 3222, G replaced by A.
Protein change: p.Arg1074=; no amino-acid change (arginine 1074 retained).
Molecular consequence: synonymous variant.
Genome position (GRCh38, 1-based): chr21:46,381,750, G>A. VCF-style: chr21-46381750-G-A. GRCh37 (hg19) VCF-style: chr21-47801665-G-A.
Other names: c.3222G>A (NM_006031.5); c.2868G>A, p.Arg956= (NM_001315529.2).
Identifiers: ClinVar variation 2995012 (VCV002995012.4), dbSNP rs539565988, ClinGen allele CA10079219.
Genomic context (GRCh38, chr21:46,381,750, plus strand): 5'-ACAGGGTGAATTTGGAAGTGAAAAGAAAACTGCTTTGCATGAAAAAGAGGAGACACTTCG[G>A]CTTCAGAGTGCACAGGCACAGCCTTTTCACCAAGAGGAGAAAGAGTCTTTGTCTCTGCAG-3'
Protein context (NP_006022.3, residues 1064-1084): TALHEKEETL[Arg1074=]LQSAQAQPFH